The following is an entry in ClinVar:

ClinVar aggregate classification (germline): Likely benign (1 of 4 stars; one submission).

Submission:

CeGaT Center for Human Genetics Tuebingen
Classification: Likely benign. Last evaluated: 2026-01-01. Review status: criteria provided, single submitter. Criteria: CeGaT Center For Human Genetics Tuebingen Variant Classification Criteria Version 2. Collection method: clinical testing. Allele origin: germline. Affected: yes. Observed: 2 variant alleles.
Comment: CDK11B: BS2

NM_033486.3(CDK11B):c.933GGA[6] (p.Glu323_Thr324insGlu)

Gene: CDK11B (cyclin dependent kinase 11B; minus strand). Cytogenetic location: 1p36.33.
Variant type: Microsatellite.
Coding change: c.933GGA[6] on transcript NM_033486.3 (MANE Select); six copies in a row of the 3-base unit GGA starting at c.933; the reference has five copies in a row; one copy, 3 bases duplicated.
Protein change: p.Glu323_Thr324insGlu.
Molecular consequence: inframe insertion.
Genome position (GRCh38, 1-based): chr1:1,641,724-1,641,726, TCC duplicated on the plus strand (GGA on the coding strand, the reverse complement: CDK11B is on the minus strand); duplicating any 3 consecutive bases within chr1:1,641,724-1,641,740 gives the same sequence; the position shown is the placement nearest the transcript's 3' end. VCF-style (leftmost placement, unchanged base first): chr1-1641723-T-TTCC. GRCh37 (hg19) VCF-style: chr1-1577084-T-TTCC.
Other names: c.903GGA[6], p.Glu313_Thr314insGlu (NM_001291345.2); c.972GGA[6], p.Glu336_Thr337insGlu (NM_001787.3); c.165GGA[6], p.Glu67_Thr68insGlu (NM_033487.3); c.831GGA[6], p.Glu289_Thr290insGlu (NM_033489.3); c.282GGA[6], p.Glu106_Thr107insGlu (NM_033490.3).
Identifiers: ClinVar variation 3388587 (VCV003388587.14).